The following is an entry in ClinVar:

ClinVar aggregate classification (germline): Benign/Likely benign. Review status: criteria provided, multiple submitters, no conflicts (2 of 4 stars). 3 submissions from 3 submitters: Benign (1); Likely benign (2). Last evaluated 2025-03-10.

Conditions:
Hereditary cancer-predisposing syndrome. Also called: Tumor predisposition; Hereditary neoplastic syndrome; Neoplastic Syndromes, Hereditary; Hereditary Cancer Syndrome. Identifiers: Orphanet 140162, MedGen C0027672, MeSH D009386, MONDO:0015356.
Familial cancer of breast. Also called: BREAST CANCER, FAMILIAL; Hereditary breast cancer; hereditary breast carcinoma. Identifiers: Orphanet 227535, MedGen C0346153, MONDO:0016419, OMIM 114480. Disease mechanism: loss of function.
Ataxia-telangiectasia syndrome (AT). Also called: LOUIS-BAR SYNDROME; Ataxia-telangiectasia; Cerebello-oculocutaneous telangiectasia; Immunodeficiency with ataxia telangiectasia; Ataxia telangiectasia (A-T); Ataxia-telangiectasia, complementation group D. Identifiers: Orphanet 100, MedGen C0004135, MONDO:0008840, OMIM 208900.

Allele frequency attached by ClinVar (database versions not stated): gnomAD exomes below 0.00001.
gnomAD v4.1: 2 of 1,613,914 alleles (0.00012%); highest among the groups gnomAD compares: Non-Finnish European, 0.00017%; no homozygotes.

Submissions (3):

Labcorp Genetics (formerly Invitae), Labcorp
Classification: Likely benign for Ataxia-telangiectasia syndrome. Last evaluated: 2025-03-10. Review status: criteria provided, single submitter. Criteria: Invitae Variant Classification Sherloc (09022015). Collection method: clinical testing. Allele origin: germline.

Myriad Genetics, Inc.
Classification: Benign for Familial cancer of breast. Last evaluated: 2024-05-20. Review status: criteria provided, single submitter. Criteria: Myriad Autosomal Dominant, Autosomal Recessive and X-Linked Classification Criteria (2023). Collection method: clinical testing. Allele origin: unknown.
Comment: This variant is considered benign. This variant is a silent/synonymous amino acid change and it is not expected to impact splicing.

Ambry Genetics
Classification: Likely benign for Hereditary cancer-predisposing syndrome. Last evaluated: 2018-11-19. Review status: criteria provided, single submitter. Criteria: Ambry Variant Classification Scheme 2023. Collection method: clinical testing. Allele origin: germline.

NM_000051.4(ATM):c.4593G>A (p.Gln1531=)

Gene: ATM (ATM serine/threonine kinase; plus strand). Cytogenetic location: 11q22.3.
Variant type: single nucleotide variant.
Coding change: c.4593G>A on transcript NM_000051.4 (MANE Select); coding-DNA position 4593, G replaced by A.
Protein change: p.Gln1531=; no amino-acid change (glutamine 1531 retained).
Molecular consequence: synonymous variant.
Genome position (GRCh38, 1-based): chr11:108,292,775, G>A. VCF-style: chr11-108292775-G-A. GRCh37 (hg19) VCF-style: chr11-108163502-G-A.
Other names: c.4593G>A, p.Gln1531= (NM_001351834.2).
Identifiers: ClinVar variation 713915 (VCV000713915.15), dbSNP rs1591674814, ClinGen allele CA476674248.